The following is an entry in ClinVar:

NM_000548.5(TSC2):c.1717-16C>T

Gene: TSC2 (TSC complex subunit 2; plus strand). Cytogenetic location: 16p13.3.
Variant type: single nucleotide variant.
Coding change: c.1717-16C>T on transcript NM_000548.5 (MANE Select); 16 bases into the intron before coding-DNA position 1717, C replaced by T.
Molecular consequence: intron variant.
Genome position (GRCh38, 1-based): chr16:2,070,440, C>T. VCF-style: chr16-2070440-C-T. GRCh37 (hg19) VCF-style: chr16-2120441-C-T.
Other names: c.1717-16C>T (NM_001114382.3, NM_021055.3, NM_001370405.1 and 3 more transcripts); c.1606-16C>T (NM_001318827.2); c.1117-16C>T (NM_001318831.2); c.1570-16C>T (NM_001318829.2); c.1750-16C>T (NM_001318832.2).
Identifiers: ClinVar variation 49617 (VCV000049617.11), dbSNP rs45517191, ClinGen allele CA015514.
Genomic context (GRCh38, chr16:2,070,440, plus strand): 5'-CTCCGGGACAAGGGTGCTGTCTTAGGACTGCGTTTTCACCTCCTGCGCCGTGGTGAGCTG[C>T]GTCCTCTCTCTGCAGACCAAGCTGTACACCCTGCCTGCAAGCCACGCCACGCGTGTGTAT-3'

ClinVar aggregate classification (germline): Benign/Likely benign. Review status: criteria provided, multiple submitters, no conflicts (2 of 4 stars). 6 submissions from 6 submitters: Benign (2); Likely benign (3). 1 of the submissions does not count toward it. Last evaluated 2025-12-18.

Conditions:
Lymphangiomyomatosis (LAM). Also called: Lymphangioleiomyomatosis; Lymphangioleiomyomatosis, somatic. Identifiers: Orphanet 538, MedGen C0751674, MONDO:0011705, OMIM 606690.
Tuberous sclerosis 2 (TSC2). Identifiers: Orphanet 805, MedGen C1860707, MONDO:0013199, OMIM 613254.
Isolated focal cortical dysplasia type II (FCORD2). Also called: CORTICAL DYSPLASIA OF TAYLOR; Focal cortical dysplasia type II. Identifiers: Orphanet 268994, MedGen C1846385, MONDO:0011818, OMIM 607341, HP:0032051.
Tuberous sclerosis syndrome (TSC). Also called: Tuberous Sclerosis Complex; Tuberous sclerosis. Identifiers: Orphanet 805, MedGen C0041341, MONDO:0001734.

Allele frequency attached by ClinVar (database versions not stated): TOPMed 0.00003; ESP Exome Variant Server 0.00015; gnomAD 0.00001 and 0.00003; ExAC 0.00002; gnomAD exomes 0.00003.
gnomAD v4.1: 103 of 1,613,198 alleles (0.0064%); highest among the groups gnomAD compares: Non-Finnish European, 0.0074%; no homozygotes.

Submissions (6):

Labcorp Genetics (formerly Invitae), Labcorp
Classification: Benign for Tuberous sclerosis 2. Last evaluated: 2025-12-18. Review status: criteria provided, single submitter. Criteria: Invitae Variant Classification Sherloc (09022015). Collection method: clinical testing. Allele origin: germline.

Myriad Genetics, Inc.
Classification: Benign for Tuberous sclerosis 2. Last evaluated: 2025-05-15. Review status: criteria provided, single submitter. Criteria: Myriad Autosomal Dominant, Autosomal Recessive and X-Linked Classification Criteria (2023). Collection method: clinical testing. Allele origin: unknown.
Comment: This variant is considered benign. This variant is intronic and is not expected to impact mRNA splicing. This variant has been observed at a population frequency that is significantly greater than expected given the associated disease prevalence and penetrance.

Blueprint Genetics
Classification: Likely benign. Last evaluated: 2023-12-29. Review status: criteria provided, single submitter. Criteria: ACMG Guidelines, 2015. Collection method: clinical testing. Allele origin: germline.

Fulgent Genetics
Classification: Likely benign for Lymphangiomyomatosis; Isolated focal cortical dysplasia type II; Tuberous sclerosis 2. Last evaluated: 2021-10-28. Review status: criteria provided, single submitter. Criteria: ACMG Guidelines, 2015. Collection method: clinical testing. Allele origin: unknown.

GeneDx
Classification: Likely benign. Last evaluated: 2018-01-26. Review status: criteria provided, single submitter. Criteria: GeneDx Variant Classification (06012015). Collection method: clinical testing. Allele origin: germline. Affected: yes.
Comment: This variant is considered likely benign or benign based on one or more of the following criteria: it is a conservative change, it occurs at a poorly conserved position in the protein, it is predicted to be benign by multiple in silico algorithms, and/or has population frequency not consistent with disease.

Tuberous sclerosis database (TSC2)
No classification provided. Condition: TSC. Review status: no classification provided. Criteria: Tuberous Sclerosis Database Assertion Criteria 2015. Collection method: curation. Allele origin: germline. Affected: yes. Not counted in ClinVar's aggregate classification.